The following is an entry in ClinVar:

NM_001102564.3(IFT43):c.459C>A (p.Asp153Glu)

Gene: IFT43 (intraflagellar transport 43; plus strand). Cytogenetic location: 14q24.3.
Variant type: single nucleotide variant.
Coding change: c.459C>A on transcript NM_001102564.3 (MANE Select); coding-DNA position 459, C replaced by A.
Protein change: p.Asp153Glu; replaces aspartic acid 153 with glutamic acid.
Molecular consequence: missense variant. On other transcripts: non-coding transcript variant (2).
Genome position (GRCh38, 1-based): chr14:76,083,241, C>A. VCF-style: chr14-76083241-C-A. GRCh37 (hg19) VCF-style: chr14-76549584-C-A.
Other names: c.474C>A, p.Asp158Glu (NM_052873.3); short protein forms D153E, D158E.
Identifiers: ClinVar variation 864378 (VCV000864378.13), dbSNP rs778799892, ClinGen allele CA7280910.
Genomic context (GRCh38, chr14:76,083,241, plus strand): 5'-AGCCCTCAAGGTGCTCAGCCTGACCTTTTTTTGTTTGCATTCACAGGATGGGGAGATCGA[C>A]CTGAAACTCCTCACCAAAGTGCTCGCGCCGGAGCACGAAGTCCGGGAGGTACAGTGGTGG-3'
Protein context (NP_001096034.1, residues 143-163): SAIQTLDGEI[Asp153Glu]LKLLTKVLAP

ClinVar aggregate classification (germline): Uncertain significance. Review status: criteria provided, multiple submitters, no conflicts (2 of 4 stars). 3 submissions from 3 submitters: Uncertain significance (3). Last evaluated 2025-02-01.

Conditions:
Cranioectodermal dysplasia 3 (CED3). Identifiers: Orphanet 1515, MedGen C3279807, MONDO:0013573, OMIM 614099.
Short-rib thoracic dysplasia 18 with polydactyly. Identifiers: MedGen C4693420, MONDO:0036483, OMIM 617866.
Retinitis pigmentosa 81 (RP81). Identifiers: MedGen C4693443, MONDO:0036482, OMIM 617871.

Allele frequency attached by ClinVar (database versions not stated): ExAC 0.00002; gnomAD exomes 0.00002; TOPMed 0.00004; gnomAD 0.00005 and 0.00006.
gnomAD v4.1: 17 of 1,614,000 alleles (0.0011%); highest among the groups gnomAD compares: African/African-American, 0.021%; no homozygotes.

Submissions (3):

Ambry Genetics
Classification: Uncertain significance. Last evaluated: 2025-02-01. Review status: criteria provided, single submitter. Criteria: Ambry Variant Classification Scheme 2023. Collection method: clinical testing. Allele origin: germline.

Labcorp Genetics (formerly Invitae), Labcorp
Classification: Uncertain significance. Last evaluated: 2024-01-02. Review status: criteria provided, single submitter. Criteria: Invitae Variant Classification Sherloc (09022015). Collection method: clinical testing. Allele origin: germline.
Comment: This sequence change replaces aspartic acid, which is acidic and polar, with glutamic acid, which is acidic and polar, at codon 158 of the IFT43 protein (p.Asp158Glu). This variant is present in population databases (rs778799892, gnomAD 0.03%). This variant has not been reported in the literature in individuals affected with IFT43-related conditions. ClinVar contains an entry for this variant (Variation ID: 864378). An algorithm developed to predict the effect of missense changes on protein structure and function (PolyPhen-2) suggests that this variant is likely to be disruptive. In summary, the available evidence is currently insufficient to determine the role of this variant in disease. Therefore, it has been classified as a Variant of Uncertain Significance.

Fulgent Genetics
Classification: Uncertain significance for Cranioectodermal dysplasia 3; Short-rib thoracic dysplasia 18 with polydactyly; Retinitis pigmentosa 81. Last evaluated: 2022-01-04. Review status: criteria provided, single submitter. Criteria: ACMG Guidelines, 2015. Collection method: clinical testing. Allele origin: unknown.